The following is an entry in ClinVar:

ClinVar aggregate classification (germline): Uncertain significance (1 of 4 stars; one submission).

Submission:

Ambry Genetics
Classification: Uncertain significance. Last evaluated: 2025-02-16. Review status: criteria provided, single submitter. Criteria: Ambry Variant Classification Scheme 2023. Collection method: clinical testing. Allele origin: germline.
Comment: The p.S685F variant (also known as c.2054C>T), located in coding exon 9 of the WNK2 gene, results from a C to T substitution at nucleotide position 2054. The serine at codon 685 is replaced by phenylalanine, an amino acid with highly dissimilar properties. This amino acid position is conserved. In addition, this alteration is predicted to be tolerated by in silico analysis. Based on the available evidence, the clinical significance of this variant remains unclear.

NM_006648.4(WNK2):c.2054C>T (p.Ser685Phe)

Gene: WNK2 (WNK lysine deficient protein kinase 2; plus strand). Cytogenetic location: 9q22.31.
Variant type: single nucleotide variant.
Coding change: c.2054C>T on transcript NM_006648.4 (MANE Select); coding-DNA position 2054, C replaced by T.
Protein change: p.Ser685Phe; replaces serine 685 with phenylalanine.
Molecular consequence: missense variant.
Genome position (GRCh38, 1-based): chr9:93,256,318, C>T. VCF-style: chr9-93256318-C-T. GRCh37 (hg19) VCF-style: chr9-96018600-C-T.
Other names: c.2054C>T, p.Ser685Phe (NM_001282394.3); short protein forms S685F.
Identifiers: ClinVar variation 3817101 (VCV003817101.1).